The following is an entry in ClinVar:

ClinVar aggregate classification (germline): Likely pathogenic (1 of 4 stars; one submission).

Allele frequency attached by ClinVar (database versions not stated): gnomAD exomes below 0.00001.
gnomAD v4.1: 1 of 1,612,082 alleles (0.000062%); highest among the groups gnomAD compares: Middle Eastern, 0.017%; no homozygotes.

Submission:

Mayo Clinic Laboratories, Mayo Clinic
Classification: Likely pathogenic. Last evaluated: 2022-07-14. Review status: criteria provided, single submitter. Criteria: ACMG Guidelines, 2015. Collection method: clinical testing. Allele origin: germline. Observed: 1 variant allele.
Comment: PM2, PVS1

NM_000018.4(ACADVL):c.1078-1G>C

Gene: ACADVL (acyl-CoA dehydrogenase very long chain; plus strand). Cytogenetic location: 17p13.1.
Variant type: single nucleotide variant.
Coding change: c.1078-1G>C on transcript NM_000018.4 (MANE Select); the canonical splice acceptor site of the intron before coding-DNA position 1078, G replaced by C.
Molecular consequence: splice acceptor variant.
Genome position (GRCh38, 1-based): chr17:7,223,132, G>C. VCF-style: chr17-7223132-G-C. GRCh37 (hg19) VCF-style: chr17-7126451-G-C.
Other names: c.1147-1G>C (NM_001270447.2); c.850-1G>C (NM_001270448.2); c.1012-1G>C (NM_001033859.3).
Identifiers: ClinVar variation 2683010 (VCV002683010.1), dbSNP rs2508327423, ClinGen allele CA397724305.
Genomic context (GRCh38, chr17:7,223,132, plus strand): 5'-TCTCCTAGGGAGACTGCAGAACCACACTGAACCACAGCGGGATGTGTGGACCCTCTTCCA[G>C]GTAGATCATGCCACTAATCGTACCCAGTTTGGGGAGAAAATTCACAACTTTGGGCTGATC-3'